The following is an entry in ClinVar:

NM_004187.5(KDM5C):c.1996G>T (p.Val666Leu)

Gene: KDM5C (lysine demethylase 5C; minus strand). Cytogenetic location: Xp11.22.
Variant type: single nucleotide variant.
Coding change: c.1996G>T on transcript NM_004187.5 (MANE Select); coding-DNA position 1996, G replaced by T.
Protein change: p.Val666Leu; replaces valine 666 with leucine.
Molecular consequence: missense variant. On other transcripts: non-coding transcript variant (3).
Genome position (GRCh38, 1-based): chrX:53,201,615, C>A on the plus strand (G>T on the coding strand, the complement: KDM5C is on the minus strand). VCF-style: chrX-53201615-C-A. GRCh37 (hg19) VCF-style: chrX-53230797-C-A.
Other names: c.1795G>T, p.Val599Leu (NM_001146702.2); c.1993G>T, p.Val665Leu (NM_001282622.3, NM_001353979.2, NM_001353982.2); c.1996G>T, p.Val666Leu (NM_001353978.3, NM_001353981.2, NM_001353984.2); short protein forms V599L, V665L, V666L.
Identifiers: ClinVar variation 1717248 (VCV001717248.5), dbSNP rs2073141930, ClinGen allele CA413123034.

ClinVar aggregate classification (germline): Uncertain significance (1 of 4 stars; one submission).

Conditions:
Spastic paraplegia. Identifiers: MedGen C0037772, HP:0001258.

Submission:

Labcorp Genetics (formerly Invitae), Labcorp
Classification: Uncertain significance for Spastic paraplegia. Last evaluated: 2022-08-24. Review status: criteria provided, single submitter. Criteria: Invitae Variant Classification Sherloc (09022015). Collection method: clinical testing. Allele origin: germline.
Comment: This sequence change replaces valine, which is neutral and non-polar, with leucine, which is neutral and non-polar, at codon 666 of the KDM5C protein (p.Val666Leu). This variant is not present in population databases (gnomAD no frequency). This variant has not been reported in the literature in individuals affected with KDM5C-related conditions. Advanced modeling of protein sequence and biophysical properties (such as structural, functional, and spatial information, amino acid conservation, physicochemical variation, residue mobility, and thermodynamic stability) performed at Invitae indicates that this missense variant is not expected to disrupt KDM5C protein function. In summary, the available evidence is currently insufficient to determine the role of this variant in disease. Therefore, it has been classified as a Variant of Uncertain Significance.